The following is an entry in ClinVar:

ClinVar aggregate classification (germline): Uncertain significance (1 of 4 stars; one submission).

Conditions:
Zimmermann-Laband syndrome 3. Identifiers: MedGen C5231447, MONDO:0032854, OMIM 618658.

Submission:

Servicio de Genética Del Instituto Nacional de Salud Del Niño, Ministerio de Salud
Classification: Uncertain significance for Zimmermann-Laband syndrome 3. Last evaluated: 2024-11-18. Review status: criteria provided, single submitter. Criteria: ACMG Guidelines, 2015. Collection method: clinical testing. Allele origin: germline. Inheritance: Autosomal dominant inheritance.
Comment: The variant NM_001204087.1:c.1124T>G, p.Ile375Ser results in the substitution of isoleucine with serine at position 375 in the protein. Isoleucine is a hydrophobic amino acid, while serine is polar, which may impact the protein's structure or function. This change is classified with PP3, indicating computational evidence supporting a potential deleterious effect, PM2, due to the variant's absence or low frequency in the population, and PP2, suggesting the variant may affect a conserved functional domain. Based on these factors, the variant is classified as uncertain significance (VUS), pending further functional or clinical data

NM_002249.6(KCNN3):c.1124T>G (p.Ile375Ser)

Gene: KCNN3 (potassium calcium-activated channel subfamily N member 3; minus strand). Cytogenetic location: 1q21.3.
Variant type: single nucleotide variant.
Coding change: c.1124T>G on transcript NM_002249.6 (MANE Select); coding-DNA position 1124, T replaced by G.
Protein change: p.Ile375Ser; replaces isoleucine 375 with serine.
Molecular consequence: missense variant.
Genome position (GRCh38, 1-based): chr1:154,772,299, A>C on the plus strand (T>G on the coding strand, the complement: KCNN3 is on the minus strand). VCF-style: chr1-154772299-A-C. GRCh37 (hg19) VCF-style: chr1-154744775-A-C.
Other names: c.1124T>G, p.Ile375Ser (NM_001204087.2); c.185T>G, p.Ile62Ser (NM_001365837.1, NM_001365838.1); c.209T>G, p.Ile70Ser (NM_170782.3); short protein forms I375S, I62S, I70S.
Identifiers: ClinVar variation 3381255 (VCV003381255.2).